The following is an entry in ClinVar:

NM_000553.6(WRN):c.1537G>C (p.Glu513Gln)

Gene: WRN (WRN RecQ like helicase; plus strand). Cytogenetic location: 8p12.
Variant type: single nucleotide variant.
Coding change: c.1537G>C on transcript NM_000553.6 (MANE Select); coding-DNA position 1537, G replaced by C.
Protein change: p.Glu513Gln; replaces glutamic acid 513 with glutamine.
Molecular consequence: missense variant.
Genome position (GRCh38, 1-based): chr8:31,087,881, G>C. VCF-style: chr8-31087881-G-C. GRCh37 (hg19) VCF-style: chr8-30945397-G-C.
Other names: short protein forms E513Q.
Identifiers: ClinVar variation 528125 (VCV000528125.8), dbSNP rs772584887, ClinGen allele CA4704399.

ClinVar aggregate classification (germline): Uncertain significance. Review status: criteria provided, multiple submitters, no conflicts (2 of 4 stars). 2 submissions from 2 submitters: Uncertain significance (2). Last evaluated 2026-01-09.

Conditions:
Werner syndrome (WRN). Identifiers: Orphanet 902, MedGen C0043119, MONDO:0010196, OMIM 277700.
Inborn genetic diseases. Identifiers: MedGen C0950123, MeSH D030342.

Allele frequency attached by ClinVar (database versions not stated): gnomAD exomes 0.00001 and 0.00002; TOPMed 0.00001; ExAC 0.00002; gnomAD 0.00003.
gnomAD v4.1: 14 of 1,613,594 alleles (0.00087%); highest among the groups gnomAD compares: Non-Finnish European, 0.0011%; no homozygotes.

Submissions (2):

Labcorp Genetics (formerly Invitae), Labcorp
Classification: Uncertain significance for Werner syndrome. Last evaluated: 2026-01-09. Review status: criteria provided, single submitter. Criteria: Invitae Variant Classification Sherloc (09022015). Collection method: clinical testing. Allele origin: germline.
Comment: This sequence change replaces glutamic acid, which is acidic and polar, with glutamine, which is neutral and polar, at codon 513 of the WRN protein (p.Glu513Gln). This variant is present in population databases (rs772584887, gnomAD 0.004%). This variant has not been reported in the literature in individuals affected with WRN-related conditions. ClinVar contains an entry for this variant (Variation ID: 528125). An algorithm developed to predict the effect of missense changes on protein structure and function (PolyPhen-2) suggests that this variant is likely to be tolerated. In summary, the available evidence is currently insufficient to determine the role of this variant in disease. Therefore, it has been classified as a Variant of Uncertain Significance.

Ambry Genetics
Classification: Uncertain significance for Inborn genetic diseases. Last evaluated: 2024-11-11. Review status: criteria provided, single submitter. Criteria: Ambry Variant Classification Scheme 2023. Collection method: clinical testing. Allele origin: germline.